The following is an entry in ClinVar:

NM_033380.3(COL4A5):c.2776G>A (p.Gly926Ser)

Gene: COL4A5 (collagen type IV alpha 5 chain; plus strand). Cytogenetic location: Xq22.3.
Variant type: single nucleotide variant.
Coding change: c.2776G>A on transcript NM_033380.3 (MANE Select); coding-DNA position 2776, G replaced by A.
Protein change: p.Gly926Ser; replaces glycine 926 with serine.
Molecular consequence: missense variant.
Genome position (GRCh38, 1-based): chrX:108,622,684, G>A. VCF-style: chrX-108622684-G-A. GRCh37 (hg19) VCF-style: chrX-107865914-G-A.
Other names: p.(Gly926Ser); c.2776G>A, p.Gly926Ser (NM_000495.5); short protein forms G926S.
Identifiers: ClinVar variation 4818584 (VCV004818584.2).

ClinVar aggregate classification (germline): Likely pathogenic. Review status: criteria provided, multiple submitters, no conflicts (2 of 4 stars). 2 submissions from 2 submitters: Likely pathogenic (2). Last evaluated 2026-07-02.

Conditions:
X-linked Alport syndrome (ATS1). Also called: NEPHROPATHY AND DEAFNESS, X-LINKED; COL4A5-Related Nephropathy. Identifiers: Orphanet 63, Orphanet 88917, MedGen C4746986, MONDO:0010520, OMIM 301050.

Submissions (2):

Centre de Génétique Humaine, Institut de Pathologie Et de Génétique
Classification: Likely pathogenic for X-linked Alport syndrome. Last evaluated: 2026-07-02. Review status: criteria provided, single submitter. Criteria: ACMG Guidelines, 2015. Collection method: clinical testing. Allele origin: maternal, germline. Inheritance: X-linked dominant inheritance. Affected: yes. Observed: 2 variant alleles, 2 heterozygotes. Clinical features observed: Microscopic hematuria (HP:0002907), Nephrotic syndrome (HP:0000100). Segregation with disease observed.
Comment: This missense variant involves a highly conserved glycine located in a ‘Gly-X-Y’ motif in collagenous region, (PM1,PP2). This variant is rare: absent in gnomAD v4.1.0 database (PM2). Another missense variant affecting the same residue described as disease-causing c.2776G>A, p.Gly926Cys, PMID: 35020912 (PM5). In silico analysis supports that this missense variant has a deleterious effect (PP3). Described as LP in ClinVar (PP5)

Natera, Inc.
Classification: Likely pathogenic for X-linked Alport syndrome. Last evaluated: 2025-06-06. Review status: criteria provided, single submitter. Criteria: Natera Variant Classification Schema (03/2026). Collection method: clinical testing. Allele origin: germline.
Comment: The c.2776G>A variant in COL4A5 is a missense variant predicted to cause substitution of glycine to serine at amino acid 926. This variant is rare in the general population with a frequency below the threshold expected for the associated phenotype(s). This variant is located in a functionally critical region of the protein. A different variant at the same position has been determined to be Pathogenic or Likely Pathogenic. Computational prediction algorithms indicate this variant is likely to affect gene or protein function. Given the available evidence, this variant is classified as Likely Pathogenic.